The following is an entry in ClinVar:

ClinVar aggregate classification (germline): Uncertain significance (1 of 4 stars; one submission).

gnomAD v4.1: 2 of 1,614,216 alleles (0.00012%); highest among the groups gnomAD compares: Admixed American, 0.0017%; no homozygotes.

Submission:

Women's Health and Genetics/Laboratory Corporation of America, LabCorp
Classification: Uncertain significance. Last evaluated: 2024-09-24. Review status: criteria provided, single submitter. Criteria: LabCorp Variant Classification Summary - May 2015. Collection method: clinical testing. Allele origin: germline.
Comment: Variant summary: TWNK c.632C>A (p.Pro211His) results in a non-conservative amino acid change in the encoded protein sequence. Three of five in-silico tools predict a damaging effect of the variant on protein function. The variant allele was found at a frequency of 4e-06 in 251480 control chromosomes. The available data on variant occurrences in the general population are insufficient to allow any conclusion about variant significance. To our knowledge, no occurrence of c.632C>A in individuals affected with Infantile Onset Spinocerebellar Ataxia and no experimental evidence demonstrating its impact on protein function have been reported. No submitters have cited clinical-significance assessments for this variant to ClinVar. Based on the evidence outlined above, the variant was classified as uncertain significance.

NM_021830.5(TWNK):c.632C>A (p.Pro211His)

Gene: TWNK (twinkle mtDNA helicase; plus strand). Cytogenetic location: 10q24.31.
Variant type: single nucleotide variant.
Coding change: c.632C>A on transcript NM_021830.5 (MANE Select); coding-DNA position 632, C replaced by A.
Protein change: p.Pro211His; replaces proline 211 with histidine.
Molecular consequence: missense variant. On other transcripts: non-coding transcript variant (4), intron variant (3).
Genome position (GRCh38, 1-based): chr10:100,988,842, C>A. VCF-style: chr10-100988842-C-A. GRCh37 (hg19) VCF-style: chr10-102748599-C-A.
Other names: c.632C>A, p.Pro211His (NM_001163812.2); c.-119-802C>A (NM_001163814.2, NM_001163813.2); c.-57-864C>A (NM_001368275.1); short protein forms P211H.
Identifiers: ClinVar variation 3375274 (VCV003375274.1).
Genomic context (GRCh38, chr10:100,988,842, plus strand): 5'-AGCGTTTCAGTGTGCGATATCTGCGACCTGCTCGCAGTCTTGTCTTCCCTTGGTTCTCCC[C>A]TGGGGGCTCAGGATTACGAGGCCTGAAGCTCCTAGAGGCTAAATGCCAGGGGGATGGAGT-3'
Protein context (NP_068602.2, residues 201-221): ARSLVFPWFS[Pro211His]GGSGLRGLKL